The following is an entry in ClinVar:

ClinVar aggregate classification (germline): Uncertain significance. Review status: criteria provided, multiple submitters, no conflicts (2 of 4 stars). 2 submissions from 2 submitters: Uncertain significance (2). Last evaluated 2022-12-27.

Conditions:
Cardiovascular phenotype. Identifiers: MedGen CN230736.

Allele frequency attached by ClinVar (database versions not stated): gnomAD exomes below 0.00001.
gnomAD v4.1: 2 of 1,613,300 alleles (0.00012%); highest among the groups gnomAD compares: Middle Eastern, 0.017%; no homozygotes.

Submissions (2):

Ambry Genetics
Classification: Uncertain significance for Cardiovascular phenotype. Last evaluated: 2022-12-27. Review status: criteria provided, single submitter. Criteria: Ambry Variant Classification Scheme 2023. Collection method: clinical testing. Allele origin: germline.
Comment: The p.I635V variant (also known as c.1903A>G), located in coding exon 18 of the ANK2 gene, results from an A to G substitution at nucleotide position 1903. The isoleucine at codon 635 is replaced by valine, an amino acid with highly similar properties. This variant co-occurred with other variants in cardiac-related genes in an individual with dilated cardiomyopathy (Mates J et al. Eur J Hum Genet. 2018 Jul;26(7):1014-1025). This amino acid position is highly conserved in available vertebrate species. In addition, the in silico prediction for this alteration is inconclusive. Since supporting evidence is limited at this time, the clinical significance of this alteration remains unclear.

GeneDx
Classification: Uncertain significance. Last evaluated: 2022-04-14. Review status: criteria provided, single submitter. Criteria: GeneDx Variant Classification Process June 2021. Collection method: clinical testing. Allele origin: germline. Affected: yes.
Comment: Not observed at significant frequency in large population cohorts (gnomAD); In silico analysis supports that this missense variant does not alter protein structure/function; Has not been previously published as pathogenic or benign to our knowledge

Literature cited by the submitters: PubMed 29511324 (cited by Ambry Genetics).

NM_001148.6(ANK2):c.1903A>G (p.Ile635Val)

Gene: ANK2 (ankyrin 2; plus strand). Cytogenetic location: 4q26.
Variant type: single nucleotide variant.
Coding change: c.1903A>G on transcript NM_001148.6 (MANE Select); coding-DNA position 1903, A replaced by G.
Protein change: p.Ile635Val; replaces isoleucine 635 with valine.
Molecular consequence: missense variant.
Genome position (GRCh38, 1-based): chr4:113,282,696, A>G. VCF-style: chr4-113282696-A-G. GRCh37 (hg19) VCF-style: chr4-114203852-A-G.
Other names: c.1840A>G, p.Ile614Val (NM_001127493.3, NM_001354239.2, NM_001354243.2 and 10 more transcripts); c.1903A>G, p.Ile635Val (NM_001354225.2, NM_001354228.2, NM_001354232.2 and 6 more transcripts); c.1948A>G, p.Ile650Val (NM_001354230.2, NM_001354231.2, NM_001354237.2 and 5 more transcripts); c.1804A>G, p.Ile602Val (NM_001354245.2, NM_001354268.2); c.1816A>G, p.Ile606Val (NM_001354249.2, NM_001354264.2, NM_001354266.2 and 10 more transcripts); c.1741A>G, p.Ile581Val (NM_001354253.2, NM_001354257.2, NM_001354270.2 and 1 more transcripts); c.1717A>G, p.Ile573Val (NM_001354260.2, NM_001354271.2, NM_001386151.1); c.1861A>G, p.Ile621Val (NM_001354261.2, NM_001386147.1, NM_001386160.1); and 8 more; short protein forms I507V, I540V, I565V, I569V, I573V, I581V, I602V, I606V.
Identifiers: ClinVar variation 1710788 (VCV001710788.3), dbSNP rs2062874061, ClinGen allele CA357913841.